The following is an entry in ClinVar:

ClinVar aggregate classification (germline): Conflicting classifications of pathogenicity. Review status: criteria provided, conflicting classifications (1 of 4 stars). 4 submissions from 4 submitters: Uncertain significance (2); Likely benign (2). Last evaluated 2025-11-18.

Conditions:
Malignant hyperthermia, susceptibility to, 5 (MHS5). Also called: CACNA1S-Related Malignant Hyperthermia Susceptibility. Identifiers: Orphanet 423, MedGen C1866077, MONDO:0011163, OMIM 601887.
Hypokalemic periodic paralysis, type 1. Also called: HypoPP; Hypokalemic Periodic Paralysis Type 1 (AD). Identifiers: Orphanet 681, MedGen C3714580, MONDO:0042979, OMIM 170400.
Inborn genetic diseases. Identifiers: MedGen C0950123, MeSH D030342.

Allele frequency attached by ClinVar (database versions not stated): TOPMed 0.00002; gnomAD 0.00003; gnomAD exomes 0.00003 and 0.00007; ExAC 0.00007; ESP Exome Variant Server 0.00008.
gnomAD v4.1: 54 of 1,613,970 alleles (0.0033%); highest among the groups gnomAD compares: Non-Finnish European, 0.00093%; no homozygotes.

Submissions (4):

Labcorp Genetics (formerly Invitae), Labcorp
Classification: Likely benign for Hypokalemic periodic paralysis, type 1; Malignant hyperthermia, susceptibility to, 5. Last evaluated: 2025-11-18. Review status: criteria provided, single submitter. Criteria: Invitae Variant Classification Sherloc (09022015). Collection method: clinical testing. Allele origin: germline.

Ambry Genetics
Classification: Uncertain significance for Inborn genetic diseases. Last evaluated: 2023-01-31. Review status: criteria provided, single submitter. Criteria: Ambry Variant Classification Scheme 2023. Collection method: clinical testing. Allele origin: germline.

Color Diagnostics, LLC DBA Color Health
Classification: Likely benign for Malignant hyperthermia, susceptibility to, 5. Last evaluated: 2022-11-06. Review status: criteria provided, single submitter. Criteria: ACMG Guidelines, 2015. Collection method: clinical testing. Allele origin: germline.

GeneDx
Classification: Uncertain significance. Last evaluated: 2017-09-18. Review status: criteria provided, single submitter. Criteria: GeneDx Variant Classification (06012015). Collection method: clinical testing. Allele origin: germline. Affected: yes.
Comment: A variant of uncertain significance has been identified in the CACNA1S gene. The V161A variant has not been published as a pathogenic variant, nor has it been reported as a benign variant to our knowledge. The V161A variant is observed in 9/66722 (0.01%) alleles from individuals of European background, including 9 unrelated heterozygous individuals in the ExAC dataset (Lek et al., 2016). The V161A variant is a conservative amino acid substitution, which is not likely to impact secondary protein structure as these residues share similar properties. This substitution occurs at a position where amino acids with similar properties to Valine are tolerated across species. However, in silico analysis predicts this variant is probably damaging to the protein structure/function. Therefore, based on the currently available information, it is unclear whether this variant is a pathogenic variant or a rare benign variant.

NM_000069.3(CACNA1S):c.482T>C (p.Val161Ala)

Gene: CACNA1S (calcium voltage-gated channel subunit alpha1 S; minus strand). Cytogenetic location: 1q32.1.
Variant type: single nucleotide variant.
Coding change: c.482T>C on transcript NM_000069.3 (MANE Select); coding-DNA position 482, T replaced by C.
Protein change: p.Val161Ala; replaces valine 161 with alanine.
Molecular consequence: missense variant.
Genome position (GRCh38, 1-based): chr1:201,092,031, A>G on the plus strand (T>C on the coding strand, the complement: CACNA1S is on the minus strand). VCF-style: chr1-201092031-A-G. GRCh37 (hg19) VCF-style: chr1-201061159-A-G.
Other names: short protein forms V161A.
Identifiers: ClinVar variation 452195 (VCV000452195.13), dbSNP rs141521945, ClinGen allele CA083608.